The following is an entry in ClinVar:

ClinVar aggregate classification (germline): Pathogenic (1 of 4 stars; one submission).

Conditions:
Hereditary breast ovarian cancer syndrome. Also called: Hereditary breast and ovarian cancer syndrome (HBOC); Hereditary breast and/or ovarian cancer syndrome; Hereditary breast and ovarian cancer; BRCA1- and BRCA2-Associated Hereditary Breast and Ovarian Cancer; Hereditary breast and ovarian cancer syndrome; Breast and ovarian cancer. Identifiers: Orphanet 145, MedGen C0677776, MeSH D061325, MONDO:0003582. Disease mechanism: loss of function.

Submission:

Labcorp Genetics (formerly Invitae), Labcorp
Classification: Pathogenic for Hereditary breast ovarian cancer syndrome. Last evaluated: 2020-07-14. Review status: criteria provided, single submitter. Criteria: Invitae Variant Classification Sherloc (09022015). Collection method: clinical testing. Allele origin: germline.
Comment: This sequence change creates a premature translational stop signal (p.Glu1353*) in the BRCA2 gene. It is expected to result in an absent or disrupted protein product. This variant is not present in population databases (ExAC no frequency). This variant has not been reported in the literature in individuals with BRCA2-related conditions. Loss-of-function variants in BRCA2 are known to be pathogenic (PMID: 20104584). For these reasons, this variant has been classified as Pathogenic.

Literature cited by the submitters: PubMed 20104584.

NM_000059.4(BRCA2):c.4057G>T (p.Glu1353Ter)

Gene: BRCA2 (BRCA2 DNA repair associated; plus strand). Cytogenetic location: 13q13.1.
Variant type: single nucleotide variant.
Coding change: c.4057G>T on transcript NM_000059.4 (MANE Select); coding-DNA position 4057, G replaced by T.
Protein change: p.Glu1353Ter; replaces glutamic acid 1353 with a stop codon.
Molecular consequence: nonsense.
Genome position (GRCh38, 1-based): chr13:32,338,412, G>T. VCF-style: chr13-32338412-G-T. GRCh37 (hg19) VCF-style: chr13-32912549-G-T.
Other names: short protein forms E1353*.
Identifiers: ClinVar variation 1073722 (VCV001073722.7), dbSNP rs2137502511, ClinGen allele CA387779124.
Genomic context (GRCh38, chr13:32,338,412, plus strand): 5'-AACTTAGAATTTGATGGCAGTGATTCAAGTAAAAATGATACTGTTTGTATTCATAAAGAT[G>T]AAACGGACTTGCTATTTACTGATCAGCACAACATATGTCTTAAATTATCTGGCCAGTTTA-3'